The following is an entry in ClinVar:

NM_000718.4(CACNA1B):c.4584G>C (p.Leu1528=)

Gene: CACNA1B (calcium voltage-gated channel subunit alpha1 B; plus strand). Cytogenetic location: 9q34.3.
Variant type: single nucleotide variant.
Coding change: c.4584G>C on transcript NM_000718.4 (MANE Select); coding-DNA position 4584, G replaced by C.
Protein change: p.Leu1528=; no amino-acid change (leucine 1528 retained).
Molecular consequence: synonymous variant.
Genome position (GRCh38, 1-based): chr9:138,059,189, G>C. VCF-style: chr9-138059189-G-C. GRCh37 (hg19) VCF-style: chr9-140953641-G-C.
Other names: c.4584G>C, p.Leu1528= (NM_001243812.2).
Identifiers: ClinVar variation 1683266 (VCV001683266.1), dbSNP rs1363673878, ClinGen allele CA467890156.

ClinVar aggregate classification (germline): Uncertain significance (1 of 4 stars; one submission).

Allele frequency attached by ClinVar (database versions not stated): gnomAD exomes below 0.00001; gnomAD 0.00001 and 0.00002; TOPMed 0.00002.
gnomAD v4.1: 3 of 1,587,066 alleles (0.00019%); highest among the groups gnomAD compares: Non-Finnish European, 0.00026%; no homozygotes.

Submission:

Women's Health and Genetics/Laboratory Corporation of America, LabCorp
Classification: Uncertain significance. Last evaluated: 2022-04-05. Review status: criteria provided, single submitter. Criteria: LabCorp Variant Classification Summary - May 2015. Collection method: clinical testing. Allele origin: germline.
Comment: Variant summary: CACNA1B c.4584G>C (p.Leu1528Leu) alters a conserved nucleotide located close to a canonical splice site and therefore could affect mRNA splicing, leading to a significantly altered protein sequence. Several computational tools predict a significant impact on normal splicing: One predicts the variant abolishes a 5' splicing donor site and three predict it weakens a 5' donor site. However, these predictions have yet to be confirmed by functional studies. The variant was absent in 245990 control chromosomes. The available data on variant occurrences in the general population are insufficient to allow any conclusion about variant significance. To our knowledge, no occurrence of c.4584G>C in individuals affected with Neurodevelopmental Disorder With Seizures And Nonepileptic Hyperkinetic Movements and no experimental evidence demonstrating its impact on protein function have been reported. No clinical diagnostic laboratories have submitted clinical-significance assessments for this variant to ClinVar after 2014. Based on the evidence outlined above, the variant was classified as uncertain significance.